The following is an entry in ClinVar:

ClinVar aggregate classification (germline): Uncertain significance. Review status: criteria provided, multiple submitters, no conflicts (2 of 4 stars). 2 submissions from 2 submitters: Uncertain significance (2). Last evaluated 2026-02-27.

Allele frequency attached by ClinVar (database versions not stated): ExAC 0.00001; gnomAD 0.00009; TOPMed 0.00009; gnomAD exomes 0.00016.
gnomAD v4.1: 258 of 1,613,990 alleles (0.016%); highest among the groups gnomAD compares: Non-Finnish European, 0.021%; no homozygotes.

Submissions (2):

Women's Health and Genetics/Laboratory Corporation of America, LabCorp
Classification: Uncertain significance. Last evaluated: 2026-02-27. Review status: criteria provided, single submitter. Criteria: LabCorp Variant Classification Summary - May 2015. Collection method: clinical testing. Allele origin: germline.
Comment: Variant summary: NALCN c.4840A>G (p.Ile1614Val) results in a conservative amino acid change in the encoded protein sequence. Algorithms developed to predict the effect of missense changes on protein structure and function are either unavailable or do not agree on the potential impact of this missense change. The variant allele was found at a frequency of 4.8e-05 in 251428 control chromosomes. This frequency is not significantly higher than estimated for disease-causing variants in NALCN, allowing no conclusion about variant significance. To our knowledge, no occurrence of c.4840A>G in individuals affected with NALCN-related conditions and no experimental evidence demonstrating its impact on protein function have been reported. ClinVar contains an entry for this variant (Variation ID: 2499774). Based on the evidence outlined above, the variant was classified as uncertain significance.

GeneDx
Classification: Uncertain significance. Last evaluated: 2022-10-20. Review status: criteria provided, single submitter. Criteria: GeneDx Variant Classification Process June 2021. Collection method: clinical testing. Allele origin: germline. Affected: yes.
Comment: In silico analysis supports that this missense variant does not alter protein structure/function; Has not been previously published as pathogenic or benign to our knowledge

NM_052867.4(NALCN):c.4840A>G (p.Ile1614Val)

Gene: NALCN (sodium leak channel, non-selective; minus strand). Cytogenetic location: 13q32.3.
Variant type: single nucleotide variant.
Coding change: c.4840A>G on transcript NM_052867.4 (MANE Select); coding-DNA position 4840, A replaced by G.
Protein change: p.Ile1614Val; replaces isoleucine 1614 with valine.
Molecular consequence: missense variant.
Genome position (GRCh38, 1-based): chr13:101,059,883, T>C on the plus strand (A>G on the coding strand, the complement: NALCN is on the minus strand). VCF-style: chr13-101059883-T-C. GRCh37 (hg19) VCF-style: chr13-101712235-T-C.
Other names: c.4927A>G, p.Ile1643Val (NM_001350748.2); c.4840A>G, p.Ile1614Val (NM_001350749.2); c.4753A>G, p.Ile1585Val (NM_001350750.2, NM_001350751.2); short protein forms I1585V, I1614V, I1643V.
Identifiers: ClinVar variation 2499774 (VCV002499774.2), dbSNP rs749826542, ClinGen allele CA7035008.